The following is an entry in ClinVar:

ClinVar aggregate classification (germline): Uncertain significance (0 of 4 stars; one submission).

Conditions:
ACAN-related disorder. Also called: ACAN-related condition; ACAN-related disorders.

Submission:

PreventionGenetics, part of Exact Sciences
Classification: Uncertain significance for ACAN-related condition. Last evaluated: 2024-09-09. Review status: no assertion criteria provided. Collection method: clinical testing. Allele origin: germline.
Comment: The ACAN c.629G>A variant is predicted to result in the amino acid substitution p.Arg210Lys. To our knowledge, this variant has not been reported in the literature or in a large population database, indicating this variant is rare. At this time, the clinical significance of this variant is uncertain due to the absence of conclusive functional and genetic evidence.

NM_001369268.1(ACAN):c.629G>A (p.Arg210Lys)

Gene: ACAN (aggrecan; plus strand). Cytogenetic location: 15q26.1.
Variant type: single nucleotide variant.
Coding change: c.629G>A on transcript NM_001369268.1 (MANE Select); coding-DNA position 629, G replaced by A.
Protein change: p.Arg210Lys; replaces arginine 210 with lysine.
Molecular consequence: missense variant.
Genome position (GRCh38, 1-based): chr15:88,840,186, G>A. VCF-style: chr15-88840186-G-A. GRCh37 (hg19) VCF-style: chr15-89383417-G-A.
Other names: c.629G>A, p.Arg210Lys (NM_001135.4, NM_001411096.1, NM_001411097.1 and 1 more transcripts); short protein forms R210K.
Identifiers: ClinVar variation 3353379 (VCV003353379.1).
Genomic context (GRCh38, chr15:88,840,186, plus strand): 5'-CCGCCTACGAAGACGGCTTCCACCAGTGTGACGCCGGCTGGCTGGCTGACCAGACTGTCA[G>A]GTGAGCCCTAGCCCATCAGCTAGTGGGGGCCAGGAGTCAGCAGCCACAGGGGAGTGGGGC-3'
Protein context (NP_001356197.1, residues 200-220): DAGWLADQTV[Arg210Lys]YPIHTPREGC